The following is an entry in ClinVar:

ClinVar aggregate classification (germline): Uncertain significance (1 of 4 stars; one submission).

Conditions:
Hypertrophic cardiomyopathy. Also called: HYPERTROPHIC MYOCARDIOPATHY. Identifiers: Orphanet 217569, MedGen C0007194, MeSH D002312, MONDO:0005045, HP:0001639.

Submission:

Labcorp Genetics (formerly Invitae), Labcorp
Classification: Uncertain significance for Hypertrophic cardiomyopathy. Last evaluated: 2026-02-02. Review status: criteria provided, single submitter. Criteria: Invitae Variant Classification Sherloc (09022015). Collection method: clinical testing. Allele origin: germline.
Comment: This sequence change replaces proline, which is neutral and non-polar, with serine, which is neutral and polar, at codon 180 of the JPH2 protein (p.Pro180Ser). This variant is not present in population databases (gnomAD no frequency). This variant has not been reported in the literature in individuals affected with JPH2-related conditions. An algorithm developed to predict the effect of missense changes on protein structure and function (PolyPhen-2) suggests that this variant is likely to be tolerated. In summary, the available evidence is currently insufficient to determine the role of this variant in disease. Therefore, it has been classified as a Variant of Uncertain Significance.

NM_020433.5(JPH2):c.538C>T (p.Pro180Ser)

Gene: JPH2 (junctophilin 2; minus strand). Cytogenetic location: 20q13.12.
Variant type: single nucleotide variant.
Coding change: c.538C>T on transcript NM_020433.5 (MANE Select); coding-DNA position 538, C replaced by T.
Protein change: p.Pro180Ser; replaces proline 180 with serine.
Molecular consequence: missense variant.
Genome position (GRCh38, 1-based): chr20:44,160,249, G>A on the plus strand (C>T on the coding strand, the complement: JPH2 is on the minus strand). VCF-style: chr20-44160249-G-A. GRCh37 (hg19) VCF-style: chr20-42788889-G-A.
Other names: short protein forms P180S.
Identifiers: ClinVar variation 4707429 (VCV004707429.1).